The following is an entry in ClinVar:

ClinVar aggregate classification (germline): Uncertain significance (1 of 4 stars; one submission).

Allele frequency attached by ClinVar (database versions not stated): ExAC 0.00001; gnomAD exomes 0.00001 and 0.00002; TOPMed 0.00002; gnomAD 0.00003.
gnomAD v4.1: 11 of 1,613,166 alleles (0.00068%); highest among the groups gnomAD compares: East Asian, 0.0067%; no homozygotes.

Submission:

Labcorp Genetics (formerly Invitae), Labcorp
Classification: Uncertain significance. Last evaluated: 2024-12-02. Review status: criteria provided, single submitter. Criteria: Invitae Variant Classification Sherloc (09022015). Collection method: clinical testing. Allele origin: germline.
Comment: This sequence change replaces glycine, which is neutral and non-polar, with arginine, which is basic and polar, at codon 1417 of the PTPN23 protein (p.Gly1417Arg). This variant is present in population databases (rs773663848, gnomAD 0.009%). This variant has not been reported in the literature in individuals affected with PTPN23-related conditions. ClinVar contains an entry for this variant (Variation ID: 1434087). An algorithm developed to predict the effect of missense changes on protein structure and function outputs the following: PolyPhen-2: "Possibly Damaging". The arginine amino acid residue is found in multiple mammalian species, which suggests that this missense change does not adversely affect protein function. In summary, the available evidence is currently insufficient to determine the role of this variant in disease. Therefore, it has been classified as a Variant of Uncertain Significance.

NM_015466.4(PTPN23):c.4249G>A (p.Gly1417Arg)

Gene: PTPN23 (protein tyrosine phosphatase non-receptor type 23; plus strand). Cytogenetic location: 3p21.31.
Variant type: single nucleotide variant.
Coding change: c.4249G>A on transcript NM_015466.4 (MANE Select); coding-DNA position 4249, G replaced by A.
Protein change: p.Gly1417Arg; replaces glycine 1417 with arginine.
Molecular consequence: missense variant.
Genome position (GRCh38, 1-based): chr3:47,412,353, G>A. VCF-style: chr3-47412353-G-A. GRCh37 (hg19) VCF-style: chr3-47453843-G-A.
Other names: c.3871G>A, p.Gly1291Arg (NM_001304482.2); short protein forms G1291R, G1417R.
Identifiers: ClinVar variation 1434087 (VCV001434087.6), dbSNP rs773663848, ClinGen allele CA2366525.